The following is an entry in ClinVar:

ClinVar aggregate classification (germline): Likely pathogenic (1 of 4 stars; one submission).

Conditions:
Arrhythmogenic right ventricular cardiomyopathy (ARVD). Also called: Arrhythmogenic cardiomyopathy; Arrhythmogenic Right Ventricular Cardiomyopathy (ARVC); Cardiomyopathy, ARVC; Arrhythmogenic right ventricular dysplasia. Identifiers: Orphanet 247, MedGen C0349788, MeSH D019571, MONDO:0016587. Disease mechanism: loss of function. Inheritance: Various modes of inheritance.

Submission:

Laboratory for Molecular Medicine, Mass General Brigham Personalized Medicine
Classification: Likely pathogenic for Arrhythmogenic right ventricular cardiomyopathy. Last evaluated: 2014-02-27. Review status: criteria provided, single submitter. Criteria: LMM Criteria. Collection method: clinical testing. Allele origin: germline. Inheritance: Autosomal dominant inheritance. Observed: 1 variant allele.
Comment: The Ile71fs variant in DSP has not been previously reported in individuals with cardiomyopathy or in large population studies. This frameshift variant is predic ted to alter the protein?s amino acid sequence beginning at position 71 and lead ing to a premature termination codon 13 amino acids downstream. This alteration is then predicted to lead to a truncated or absent protein. Heterozygous loss of function of the DSP gene is an established disease mechanism in individuals wit h ARVC and DCM. In summary, this variant is likely to be pathogenic, though addi tional studies are required to fully establish its clinical significance.

NM_004415.4(DSP):c.208_209dup (p.Ile71fs)

Gene: DSP (desmoplakin; plus strand). Cytogenetic location: 6p24.3.
Variant type: Microsatellite.
Coding change: c.208_209dup on transcript NM_004415.4 (MANE Select); coding-DNA positions 208 to 209, 2 bases duplicated (AC; older notation c.208_209dupAC).
Protein change: p.Ile71fs; shifts the reading frame from isoleucine 71.
Molecular consequence: frameshift variant.
Genome position (GRCh38, 1-based): chr6:7,555,755-7,555,756, AC duplicated; duplicating any 2 consecutive bases within chr6:7,555,753-7,555,756 gives the same sequence; the c. name uses the placement nearest the transcript's 3' end. VCF-style (leftmost placement, unchanged base first): chr6-7555752-A-AAC. GRCh37 (hg19) VCF-style: chr6-7555985-A-AAC.
Other names: p.Ile71ProfsX13; c.208_209dup, p.Ile71fs (NM_001008844.3, NM_001319034.2); short protein forms I71fs.
Identifiers: ClinVar variation 163230 (VCV000163230.4), dbSNP rs727502993, ClinGen allele CA273138.